The following is an entry in ClinVar:

NM_007294.4(BRCA1):c.1200_1206delinsCTCACATGAACTGTTAGGT (p.Gly401_Glu402delinsSerHisGluLeuLeuGly)

Gene: BRCA1 (BRCA1 DNA repair associated; minus strand). Cytogenetic location: 17q21.31.
Variant type: Indel.
Coding change: c.1200_1206delinsCTCACATGAACTGTTAGGT on transcript NM_007294.4 (MANE Select); coding-DNA positions 1200 to 1206, TGGGGAG replaced by CTCACATGAACTGTTAGGT.
Protein change: p.Gly401_Glu402delinsSerHisGluLeuLeuGly.
Molecular consequence: inframe indel. On other transcripts: intron variant (137).
Genome position (GRCh38, 1-based): chr17:43,094,325-43,094,331, CTCCCCA replaced by ACCTAACAGTTCATGTGAG on the plus strand (TGGGGAG replaced by CTCACATGAACTGTTAGGT on the coding strand, the reverse complement: BRCA1 is on the minus strand). VCF-style: chr17-43094325-CTCCCCA-ACCTAACAGTTCATGTGAG. GRCh37 (hg19) VCF-style: chr17-41246342-CTCCCCA-ACCTAACAGTTCATGTGAG.
Other names: c.867_873delinsCTCACATGAACTGTTAGGT, p.Gly290_Glu291delinsSerHisGluLeuLeuGly (NM_001407949.1, NM_001407950.1, NM_001407951.1 and 6 more transcripts); c.864_870delinsCTCACATGAACTGTTAGGT, p.Gly289_Glu290delinsSerHisGluLeuLeuGly (NM_001407956.1, NM_001407954.1, NM_001407955.1 and 1 more transcripts); c.646+413_646+419delinsCTCACATGAACTGTTAGGT (NM_001408458.1, NM_001408469.1, NM_001408453.1 and 11 more transcripts); c.1200_1206delinsCTCACATGAACTGTTAGGT, p.Gly401_Glu402delinsSerHisGluLeuLeuGly (NM_001407602.1, NM_001407605.1, NM_001407603.1 and 30 more transcripts); c.283+413_283+419delinsCTCACATGAACTGTTAGGT (NM_001408512.1); c.406+413_406+419delinsCTCACATGAACTGTTAGGT (NM_001408510.1); c.643+413_643+419delinsCTCACATGAACTGTTAGGT (NM_001408470.1, NM_001408464.1, NM_001408468.1 and 3 more transcripts); c.1197_1203delinsCTCACATGAACTGTTAGGT, p.Gly400_Glu401delinsSerHisGluLeuLeuGly (NM_001407610.1, NM_001407611.1, NM_001407612.1 and 22 more transcripts); and 40 more.
Identifiers: ClinVar variation 441346 (VCV000441346.6), dbSNP rs1555592207, ClinGen allele CA658653707.

ClinVar aggregate classification (germline): Uncertain significance (1 of 4 stars; one submission).

Conditions:
Hereditary cancer-predisposing syndrome. Also called: Hereditary Cancer Syndrome; Hereditary neoplastic syndrome; Neoplastic Syndromes, Hereditary; Tumor predisposition. Identifiers: Orphanet 140162, MedGen C0027672, MeSH D009386, MONDO:0015356.

Submission:

Ambry Genetics
Classification: Uncertain significance for Hereditary cancer-predisposing syndrome. Last evaluated: 2016-06-22. Review status: criteria provided, single submitter. Criteria: Ambry Variant Classification Scheme 2023. Collection method: clinical testing. Allele origin: germline.
Comment: The c.1200_1206delTGGGGAGins19 variant (also known as p.G401_E402delinsSHELLG), located in coding exon 9 of the BRCA1 gene, results from an in-frame deletion of TGGGGAG and insertion of CTCACATGAACTGTTAGGT between nucleotide positions 1200 and 1206. This results in the deletion of two amino acids at positions 401 and 402 and insertion of six amino acids in their place. Since supporting evidence is limited at this time, the clinical significance of this alteration remains unclear.